The following is an entry in ClinVar:

ClinVar aggregate classification (germline): Likely pathogenic (1 of 4 stars; one submission).

Conditions:
Ehlers-Danlos syndrome, type 4 (EDSVASC). Also called: Ehlers-Danlos syndrome vascular type; Ehlers Danlos syndrome, ecchymotic type; Ehlers Danlos syndrome, arterial type; Ehlers Danlos syndrome, Sack-Barabas type; Ehlers-Danlos Syndrome Type IV. Identifiers: Orphanet 286, MedGen C0268338, MONDO:0017314, OMIM 130050.

Submission:

Labcorp Genetics (formerly Invitae), Labcorp
Classification: Likely pathogenic for Ehlers-Danlos syndrome, type 4. Last evaluated: 2023-03-07. Review status: criteria provided, single submitter. Criteria: Invitae Variant Classification Sherloc (09022015). Collection method: clinical testing. Allele origin: germline.
Comment: This sequence change replaces glycine, which is neutral and non-polar, with glutamic acid, which is acidic and polar, at codon 495 of the COL3A1 protein (p.Gly495Glu). This variant is not present in population databases (gnomAD no frequency). This variant has not been reported in the literature in individuals affected with COL3A1-related conditions. ClinVar contains an entry for this variant (Variation ID: 459763). Advanced modeling of protein sequence and biophysical properties (such as structural, functional, and spatial information, amino acid conservation, physicochemical variation, residue mobility, and thermodynamic stability) performed at Invitae indicates that this missense variant is expected to disrupt COL3A1 protein function. This variant disrupts the triple helix domain of COL3A1. Glycine residues within the Gly-Xaa-Yaa repeats of the triple helix domain are required for the structure and stability of fibrillar collagens (PMID: 7695699, 8218237, 19344236). In COL3A1, variants that affect these glycine residues are significantly enriched in individuals with disease (PMID: 24922459, 25758994) compared to the general population (ExAC). In summary, the currently available evidence indicates that the variant is pathogenic, but additional data are needed to prove that conclusively. Therefore, this variant has been classified as Likely Pathogenic.

Literature cited by the submitters: PubMed 7695699; PubMed 8218237; PubMed 19344236; PubMed 24922459; PubMed 25758994.

NM_000090.4(COL3A1):c.1484G>A (p.Gly495Glu)

Gene: COL3A1 (collagen type III alpha 1 chain; plus strand). Cytogenetic location: 2q32.2.
Variant type: single nucleotide variant.
Coding change: c.1484G>A on transcript NM_000090.4 (MANE Select); coding-DNA position 1484, G replaced by A.
Protein change: p.Gly495Glu; replaces glycine 495 with glutamic acid.
Molecular consequence: missense variant.
Genome position (GRCh38, 1-based): chr2:188,995,074, G>A. VCF-style: chr2-188995074-G-A. GRCh37 (hg19) VCF-style: chr2-189859800-G-A.
Other names: short protein forms G495E.
Identifiers: ClinVar variation 459763 (VCV000459763.9), dbSNP rs1057524653, ClinGen allele CA349852021.